The following is an entry in ClinVar:

ClinVar aggregate classification (germline): Likely benign (1 of 4 stars; one submission).

Submission:

CeGaT Center for Human Genetics Tuebingen
Classification: Likely benign. Last evaluated: 2024-12-01. Review status: criteria provided, single submitter. Criteria: CeGaT Center For Human Genetics Tuebingen Variant Classification Criteria Version 2. Collection method: clinical testing. Allele origin: germline. Affected: yes. Observed: 1 variant allele.
Comment: MYT1L: PM2:Supporting, BP4, BP7

NM_001303052.2(MYT1L):c.3080+8229G>A

Gene: MYT1L (myelin transcription factor 1 like; minus strand). Cytogenetic location: 2p25.3.
Variant type: single nucleotide variant.
Coding change: c.3080+8229G>A on transcript NM_001303052.2 (MANE Select); 8229 bases into the intron after coding-DNA position 3080, G replaced by A.
Molecular consequence: intron variant.
Genome position (GRCh38, 1-based): chr2:1,830,920, C>T on the plus strand (G>A on the coding strand, the complement: MYT1L is on the minus strand). VCF-style: chr2-1830920-C-T. GRCh37 (hg19) VCF-style: chr2-1834692-C-T.
Other names: c.3074+8229G>A (NM_015025.4, NM_001329847.2, NM_001329848.1 and 3 more transcripts); c.3080+8229G>A (NM_001329844.2, NM_001329845.1, NM_001329851.3).
Identifiers: ClinVar variation 3772005 (VCV003772005.13).